The following is an entry in ClinVar:

ClinVar aggregate classification (germline): Conflicting classifications of pathogenicity. Review status: criteria provided, conflicting classifications (1 of 4 stars). 16 submissions from 16 submitters: Uncertain significance (7); Likely benign (7). 2 of the submissions do not count toward it. Last evaluated 2026-01-10.

Conditions:
BRCA2-related disorder. Also called: BRCA2-related condition; BRCA2-related disorders. Identifiers: MedGen CN239275.
Fanconi anemia complementation group D1. Also called: BRCA2-Related Fanconi Anemia. Identifiers: Orphanet 319462, MedGen C1838457, MONDO:0011584, OMIM 605724.
Hereditary breast ovarian cancer syndrome. Also called: Hereditary breast and ovarian cancer syndrome; Hereditary breast and ovarian cancer; Hereditary breast and ovarian cancer syndrome (HBOC); Hereditary breast and/or ovarian cancer syndrome; BRCA1- and BRCA2-Associated Hereditary Breast and Ovarian Cancer; Breast and ovarian cancer. Identifiers: Orphanet 145, MedGen C0677776, MeSH D061325, MONDO:0003582. Disease mechanism: loss of function.
Breast and/or ovarian cancer. Identifiers: MedGen CN221562.
Hereditary cancer-predisposing syndrome. Also called: Tumor predisposition; Neoplastic Syndromes, Hereditary; Hereditary neoplastic syndrome; Hereditary Cancer Syndrome. Identifiers: Orphanet 140162, MedGen C0027672, MeSH D009386, MONDO:0015356.
Breast-ovarian cancer, familial, susceptibility to, 2 (BROVCA2). Also called: BRCA2 Hereditary Breast and Ovarian Cancer. Identifiers: Orphanet 145, MedGen C2675520, MONDO:0012933, OMIM 612555. Disease mechanism: loss of function.

Allele frequency attached by ClinVar (database versions not stated): gnomAD 0.00001; TOPMed 0.00002; gnomAD exomes 0.00006; ExAC 0.00007.
gnomAD v4.1: 94 of 1,605,636 alleles (0.0059%); highest among the groups gnomAD compares: Non-Finnish European, 0.0076%; no homozygotes.

Submissions (16):

Labcorp Genetics (formerly Invitae), Labcorp
Classification: Likely benign for Hereditary breast ovarian cancer syndrome. Last evaluated: 2026-01-10. Review status: criteria provided, single submitter. Criteria: Invitae Variant Classification Sherloc (09022015). Collection method: clinical testing. Allele origin: germline.

Quest Diagnostics Nichols Institute San Juan Capistrano
Classification: Uncertain significance. Last evaluated: 2025-08-21. Review status: criteria provided, single submitter. Criteria: Quest Diagnostics criteria. Collection method: clinical testing. Allele origin: unknown.
Comment: The BRCA2 c.1466C>G (p.Ser489Cys) variant has been reported in individuals with breast and/or ovarian cancer (PMID: 33471991 (2021), 21218378 (2010), 20104584 (2010), 18559594 (2008), 16528604 (2006), see also LOVD) as well as in reportedly unaffected individuals (PMID: 33471991 (2021), 29641532 (2018), see also LOVD ). This variant has been reported to be located in a region of the BRCA2 gene that is tolerant to missense sequence changes (PMID: 31911673 (2020)). The frequency of this variant in the general population (Genome Aggregation Database) is uninformative in the assessment of its pathogenicity. Analysis of this variant using bioinformatics tools for the prediction of the effect of amino acid changes on protein structure and function yielded conflicting predictions that this variant is benign or damaging. Based on the available information, we are unable to determine the clinical significance of this variant.

Women's Health and Genetics/Laboratory Corporation of America, LabCorp
Classification: Uncertain significance. Last evaluated: 2025-04-22. Review status: criteria provided, single submitter. Criteria: LabCorp Variant Classification Summary - May 2015. Collection method: clinical testing. Allele origin: germline.
Comment: Variant summary: BRCA2 c.1466C>G (p.Ser489Cys) results in a non-conservative amino acid change in the encoded protein sequence. Three of five in-silico tools predict a benign effect of the variant on protein function. The variant allele was found at a frequency of 6.2e-05 in 242578 control chromosomes, predominantly at a frequency of 0.00013 within the Non-Finnish European subpopulation in the gnomAD database. This frequency is not significantly higher than estimated for a pathogenic variant in BRCA2 causing Hereditary Breast And Ovarian Cancer Syndrome (6.2e-05 vs 0.00075), allowing no conclusion about variant significance. c.1466C>G has been reported in the literature in individuals affected with breast and ovarian cancer without strong evidence for causality (examples- Sinilnikova_2006, Soegaard_2008, Borg_2010, Carney_2010, Capanu_2011, Bhai_2021). These report(s) do not provide unequivocal conclusions about association of the variant with Hereditary Breast And Ovarian Cancer Syndrome. To our knowledge, no experimental evidence demonstrating an impact on protein function has been reported. The following publications have been ascertained in the context of this evaluation (PMID: 34326862, 20104584, 21520273, 21218378, 30181556, 16528604, 18559594, 26580448). ClinVar contains an entry for this variant (Variation ID: 142547). Based on the evidence outlined above, the variant was classified as uncertain significance.

Center for Genomic Medicine, Rigshospitalet, Copenhagen University Hospital
Classification: Likely benign. Last evaluated: 2025-03-04. Review status: criteria provided, single submitter. Criteria: ACMG Guidelines, 2015. Collection method: clinical testing. Allele origin: germline.

PreventionGenetics, part of Exact Sciences
Classification: Likely benign for BRCA2-related condition. Last evaluated: 2025-01-28. Review status: criteria provided, single submitter. Criteria: ACMG Guidelines, 2015. Collection method: clinical testing. Allele origin: germline.
Comment: This variant is classified as likely benign based on ACMG/AMP sequence variant interpretation guidelines (Richards et al. 2015 PMID: 25741868, with internal and published modifications).

ARUP Laboratories, Molecular Genetics and Genomics, ARUP Laboratories
Classification: Likely benign. Last evaluated: 2024-07-17. Review status: criteria provided, single submitter. Criteria: ARUP Molecular Germline Variant Investigation Process 2024. Collection method: clinical testing. Allele origin: germline.

University of Washington Department of Laboratory Medicine, University of Washington
Classification: Likely benign for Hereditary cancer-predisposing syndrome. Last evaluated: 2023-03-23. Review status: criteria provided, single submitter. Criteria: Dines et al. (Genet Med. 2020). Collection method: curation. Allele origin: germline.
Comment: Missense variant in a coldspot region where missense variants are very unlikely to be pathogenic (PMID:31911673).

BRCA2 exon 10 coldspot. Reclassification based on statistical prior probability.

Mayo Clinic Laboratories, Mayo Clinic
Classification: Uncertain significance. Last evaluated: 2022-04-04. Review status: criteria provided, single submitter. Criteria: ACMG Guidelines, 2015. Collection method: clinical testing. Allele origin: germline. Observed: 1 variant allele.
Comment: BP4

Color Diagnostics, LLC DBA Color Health
Classification: Likely benign for Hereditary cancer-predisposing syndrome. Last evaluated: 2021-06-10. Review status: criteria provided, single submitter. Criteria: ACMG Guidelines, 2015. Collection method: clinical testing. Allele origin: germline.

Sema4
Classification: Uncertain significance for Hereditary cancer-predisposing syndrome. Last evaluated: 2021-04-23. Review status: criteria provided, single submitter. Criteria: Sema4 Curation Guidelines. Collection method: curation. Allele origin: germline.
Comment: The BRCA2 c.1466C>G (p.S489C) variant has been reported in heterozygosity in at least six individuals with hereditary breast and/or ovarian cancer (PMID: 21520273, 20104584). It was observed in 15/111120 chromosomes, including 0 homozygotes, in the Non-Finnish European subpopulation in the large and broad cohorts of the Genome Aggregation Database (PMID: 32461654). The variant has been reported in ClinVar (Variation ID: 142547). In silico tools suggest the impact of the variant on protein function is inconclusive, though these predictions have not been confirmed by functional studies. The evidence is insufficient to meet ACMG/AMP criteria for classifying the variant as benign or pathogenic. Thus, the clinical significance of this variant is currently uncertain.

Blueprint Genetics
Classification: Uncertain significance. Last evaluated: 2020-08-26. Review status: criteria provided, single submitter. Criteria: ACMG Guidelines, 2015. Collection method: clinical testing. Allele origin: germline.

Ambry Genetics
Classification: Likely benign for Hereditary cancer-predisposing syndrome. Last evaluated: 2019-11-20. Review status: criteria provided, single submitter. Criteria: Ambry Variant Classification Scheme 2023. Collection method: clinical testing. Allele origin: germline.

CHEO Genetics Diagnostic Laboratory, Children's Hospital of Eastern Ontario
Classification: Uncertain significance for Breast and/or ovarian cancer. Last evaluated: 2019-03-18. Review status: criteria provided, single submitter. Criteria: ACMG Guidelines, 2015. Collection method: clinical testing. Allele origin: germline.

GeneDx
Classification: Uncertain significance. Last evaluated: 2018-07-31. Review status: criteria provided, single submitter. Criteria: GeneDx Variant Classification (06012015). Collection method: clinical testing. Allele origin: germline. Affected: yes.
Comment: This variant is denoted BRCA2 c.1466C>G at the cDNA level, p.Ser489Cys (S489C) at the protein level, and results in the change of a Serine to a Cysteine (TCT>TGT). Using alternate nomenclature, this variant would be defined as BRCA2 1694C>G. This variant has been identified in at least five woman with breast or ovarian cancer (Soegaard 2008, Borg 2010, Carney 2010). BRCA2 Ser489Cys was observed at an allele frequency of 0.01% (14/109,108) in individuals of European ancestry in large population cohorts (Lek 2016). This variant is not located in a known functional domain. In silico analysis, which includes protein predictors and evolutionary conservation, supports that this variant does not alter protein structure/function. Based on currently available evidence, it is unclear whether BRCA2 Ser489Cys is a pathogenic or benign variant. We consider it to be a variant of uncertain significance.

BRCAlab, Lund University
Classification: Likely benign for Breast-ovarian cancer, familial, susceptibility to, 2. Last evaluated: 2020-03-02. Review status: no assertion criteria provided. Collection method: clinical testing. Allele origin: germline. Affected: yes. Not counted in ClinVar's aggregate classification.

Department of Pathology and Laboratory Medicine, Sinai Health System
Classification: Uncertain significance. Review status: no assertion criteria provided. Collection method: clinical testing. Allele origin: unknown. Affected: yes. Observed: 1 variant allele. Study: The Canadian Open Genetics Repository (COGR). Not counted in ClinVar's aggregate classification.

Literature cited by the submitters: PubMed 29641532 (cited by Quest Diagnostics Nichols Institute San Juan Capistrano); PubMed 34326862 (cited by Quest Diagnostics Nichols Institute San Juan Capistrano and Women's Health and Genetics/Laboratory Corporation of America, LabCorp); PubMed 31911673 (cited by Quest Diagnostics Nichols Institute San Juan Capistrano); PubMed 33471991 (cited by Quest Diagnostics Nichols Institute San Juan Capistrano); PubMed 18559594 (cited by Quest Diagnostics Nichols Institute San Juan Capistrano and Women's Health and Genetics/Laboratory Corporation of America, LabCorp); PubMed 20104584 (cited by 3 submitters); PubMed 16528604 (cited by Quest Diagnostics Nichols Institute San Juan Capistrano and Women's Health and Genetics/Laboratory Corporation of America, LabCorp); PubMed 21218378 (cited by 3 submitters); PubMed 31464824 (cited by Quest Diagnostics Nichols Institute San Juan Capistrano); PubMed 21520273 (cited by 4 submitters); PubMed 26295337 (cited by Quest Diagnostics Nichols Institute San Juan Capistrano); PubMed 26580448 (cited by Women's Health and Genetics/Laboratory Corporation of America, LabCorp); PubMed 30181556 (cited by Women's Health and Genetics/Laboratory Corporation of America, LabCorp).

NM_000059.4(BRCA2):c.1466C>G (p.Ser489Cys)

Gene: BRCA2 (BRCA2 DNA repair associated; plus strand). Cytogenetic location: 13q13.1.
Variant type: single nucleotide variant.
Coding change: c.1466C>G on transcript NM_000059.4 (MANE Select); coding-DNA position 1466, C replaced by G.
Protein change: p.Ser489Cys; replaces serine 489 with cysteine.
Molecular consequence: missense variant.
Genome position (GRCh38, 1-based): chr13:32,332,944, C>G. VCF-style: chr13-32332944-C-G. GRCh37 (hg19) VCF-style: chr13-32907081-C-G.
Other names: short protein forms S489C.
Identifiers: ClinVar variation 142547 (VCV000142547.45), dbSNP rs587782535, ClinGen allele CA012149.